The following is an entry in ClinVar:

ClinVar aggregate classification (germline): Uncertain significance (1 of 4 stars; one submission).

Submission:

Labcorp Genetics (formerly Invitae), Labcorp
Classification: Uncertain significance. Last evaluated: 2022-01-06. Review status: criteria provided, single submitter. Criteria: Invitae Variant Classification Sherloc (09022015). Collection method: clinical testing. Allele origin: germline.
Comment: Experimental studies and prediction algorithms are not available or were not evaluated, and the functional significance of this variant is currently unknown. In summary, the available evidence is currently insufficient to determine the role of this variant in disease. Therefore, it has been classified as a Variant of Uncertain Significance. This variant has not been reported in the literature in individuals affected with CDH23-related conditions. This variant results in a copy number gain of the genomic region encompassing exon(s) 39-44 of the CDH23 gene. While the exact position of this variant cannot be determined from the data, sub-genic copy number gains are generally in tandem (PMID: 25640679). This variant is predicted to be in-frame, and likely preserves the integrity of the reading frame.

Literature cited by the submitters: PubMed 25640679.

NC_000010.10:g.(?_73537417)_(73545515_?)dup

Gene: CDH23 (cadherin related 23; plus strand). Cytogenetic location: 10q22.1.
Variant type: Duplication.
Identifiers: ClinVar variation 1479516 (VCV001479516.5).